The following is an entry in ClinVar:

ClinVar aggregate classification (germline): Uncertain significance (1 of 4 stars; one submission).

Allele frequency attached by ClinVar (database versions not stated): TOPMed below 0.00001.

Submission:

Ambry Genetics
Classification: Uncertain significance. Last evaluated: 2021-02-25. Review status: criteria provided, single submitter. Criteria: Ambry Variant Classification Scheme 2023. Collection method: clinical testing. Allele origin: germline.
Comment: The p.V856I variant (also known as c.2566G>A), located in coding exon 21 of the MARS gene, results from a G to A substitution at nucleotide position 2566. The valine at codon 856 is replaced by isoleucine, an amino acid with highly similar properties. This amino acid position is highly conserved in available vertebrate species. In addition, this alteration is predicted to be tolerated by in silico analysis. Since supporting evidence is limited at this time, the clinical significance of this alteration remains unclear.

NM_004990.4(MARS1):c.2566G>A (p.Val856Ile)

Gene: MARS1 (methionyl-tRNA synthetase 1; plus strand). Cytogenetic location: 12q13.3.
Variant type: single nucleotide variant.
Coding change: c.2566G>A on transcript NM_004990.4 (MANE Select); coding-DNA position 2566, G replaced by A.
Protein change: p.Val856Ile; replaces valine 856 with isoleucine.
Molecular consequence: missense variant.
Genome position (GRCh38, 1-based): chr12:57,516,444, G>A. VCF-style: chr12-57516444-G-A. GRCh37 (hg19) VCF-style: chr12-57910227-G-A.
Other names: short protein forms V856I.
Identifiers: ClinVar variation 1799740 (VCV001799740.2), dbSNP rs1877837613, ClinGen allele CA385468536.